The following is an entry in ClinVar:

ClinVar aggregate classification (germline): Uncertain significance (1 of 4 stars; one submission).

Submission:

Labcorp Genetics (formerly Invitae), Labcorp
Classification: Uncertain significance. Last evaluated: 2024-03-14. Review status: criteria provided, single submitter. Criteria: Invitae Variant Classification Sherloc (09022015). Collection method: clinical testing. Allele origin: germline.
Comment: This sequence change replaces arginine, which is basic and polar, with leucine, which is neutral and non-polar, at codon 1159 of the FOCAD protein (p.Arg1159Leu). This variant is not present in population databases (gnomAD no frequency). This variant has not been reported in the literature in individuals affected with FOCAD-related conditions. Experimental studies and prediction algorithms are not available or were not evaluated, and the functional significance of this variant is currently unknown. In summary, the available evidence is currently insufficient to determine the role of this variant in disease. Therefore, it has been classified as a Variant of Uncertain Significance.

NM_001375567.1(FOCAD):c.3476G>T (p.Arg1159Leu)

Gene: FOCAD (focadhesin; plus strand). Cytogenetic location: 9p21.3.
Variant type: single nucleotide variant.
Coding change: c.3476G>T on transcript NM_001375567.1 (MANE Select); coding-DNA position 3476, G replaced by T.
Protein change: p.Arg1159Leu; replaces arginine 1159 with leucine.
Molecular consequence: missense variant.
Genome position (GRCh38, 1-based): chr9:20,944,695, G>T. VCF-style: chr9-20944695-G-T. GRCh37 (hg19) VCF-style: chr9-20944694-G-T.
Other names: c.3371G>T, p.Arg1124Leu (NM_001375568.1, NM_001375570.1); c.3476G>T, p.Arg1159Leu (NM_017794.5); short protein forms R1124L, R1159L.
Identifiers: ClinVar variation 3645924 (VCV003645924.2).